The following is an entry in ClinVar:

ClinVar aggregate classification (germline): Likely benign (1 of 4 stars; one submission).

Allele frequency attached by ClinVar (database versions not stated): TOPMed 0.00016; 1000 Genomes Project 0.00020; ESP Exome Variant Server 0.00023; 1000 Genomes Project 30x 0.00016.
gnomAD v4.1: 352 of 1,613,674 alleles (0.022%); highest among the groups gnomAD compares: Non-Finnish European, 0.028%; no homozygotes.

Submission:

CeGaT Center for Human Genetics Tuebingen
Classification: Likely benign. Last evaluated: 2023-02-01. Review status: criteria provided, single submitter. Criteria: CeGaT Center For Human Genetics Tuebingen Variant Classification Criteria Version 2. Collection method: clinical testing. Allele origin: germline. Affected: yes. Observed: 1 variant allele.
Comment: DTL: BP4, BP7

NM_016448.4(DTL):c.1215G>A (p.Thr405=)

Gene: DTL (denticleless E3 ubiquitin protein ligase adapter; plus strand). Cytogenetic location: 1q32.3.
Variant type: single nucleotide variant.
Coding change: c.1215G>A on transcript NM_016448.4 (MANE Select); coding-DNA position 1215, G replaced by A.
Protein change: p.Thr405=; no amino-acid change (threonine 405 retained).
Molecular consequence: synonymous variant.
Genome position (GRCh38, 1-based): chr1:212,080,704, G>A. VCF-style: chr1-212080704-G-A. GRCh37 (hg19) VCF-style: chr1-212254046-G-A.
Other names: c.402G>A, p.Thr134= (NM_001286229.2); c.1089G>A, p.Thr363= (NM_001286230.2).
Identifiers: ClinVar variation 2639884 (VCV002639884.24), dbSNP rs141132068, ClinGen allele CA1383206.